The following is an entry in ClinVar:

ClinVar aggregate classification (germline): Uncertain significance (1 of 4 stars; one submission).

Allele frequency attached by ClinVar (database versions not stated): gnomAD exomes below 0.00001.
gnomAD v4.1: 2 of 1,613,934 alleles (0.00012%); highest among the groups gnomAD compares: Non-Finnish European, 0.00017%; no homozygotes.

Submission:

Labcorp Genetics (formerly Invitae), Labcorp
Classification: Uncertain significance. Last evaluated: 2022-05-19. Review status: criteria provided, single submitter. Criteria: Invitae Variant Classification Sherloc (09022015). Collection method: clinical testing. Allele origin: germline.
Comment: In summary, the available evidence is currently insufficient to determine the role of this variant in disease. Therefore, it has been classified as a Variant of Uncertain Significance. Advanced modeling of protein sequence and biophysical properties (such as structural, functional, and spatial information, amino acid conservation, physicochemical variation, residue mobility, and thermodynamic stability) performed at Invitae indicates that this missense variant is not expected to disrupt FAT4 protein function. This variant has not been reported in the literature in individuals affected with FAT4-related conditions. This variant is not present in population databases (gnomAD no frequency). This sequence change replaces tyrosine, which is neutral and polar, with cysteine, which is neutral and slightly polar, at codon 2935 of the FAT4 protein (p.Tyr2935Cys).

NM_001291303.3(FAT4):c.8810A>G (p.Tyr2937Cys)

Gene: FAT4 (FAT atypical cadherin 4; plus strand). Cytogenetic location: 4q28.1.
Variant type: single nucleotide variant.
Coding change: c.8810A>G on transcript NM_001291303.3 (MANE Select); coding-DNA position 8810, A replaced by G.
Protein change: p.Tyr2937Cys; replaces tyrosine 2937 with cysteine.
Molecular consequence: missense variant.
Genome position (GRCh38, 1-based): chr4:125,449,820, A>G. VCF-style: chr4-125449820-A-G. GRCh37 (hg19) VCF-style: chr4-126370975-A-G.
Other names: c.8810A>G, p.Tyr2937Cys (NM_001291285.3); c.8804A>G, p.Tyr2935Cys (NM_024582.6); short protein forms Y2935C, Y2937C.
Identifiers: ClinVar variation 1996278 (VCV001996278.4), dbSNP rs1725980756, ClinGen allele CA358147669.
Genomic context (GRCh38, chr4:125,449,820, plus strand): 5'-CAGAATATTTCAGGATTAATGCCACCACTGGAGAGATTTTCAATAAACAGATCTTAAAAT[A>G]CCAAAATGTCACTGGCTTCAGTAATGTGAATATCAACAGGCATAGTTTTATAGTGACATC-3'
Protein context (NP_001278232.1, residues 2927-2947): GEIFNKQILK[Tyr2937Cys]QNVTGFSNVN